The following is an entry in ClinVar:

ClinVar aggregate classification (germline): Benign. Review status: criteria provided, multiple submitters, no conflicts (2 of 4 stars). 3 submissions from 2 submitters: Benign (3). Last evaluated 2018-01-13.

Conditions:
Charcot-Marie-Tooth disease axonal type 2O. Also called: CHARCOT-MARIE-TOOTH NEUROPATHY, AXONAL, TYPE 2O; CHARCOT-MARIE-TOOTH DISEASE, AXONAL, AUTOSOMAL DOMINANT, TYPE 2O; Charcot-Marie-Tooth Neuropathy Type 2O; Charcot-Marie-Tooth disease, axonal, type 20. Identifiers: Orphanet 284232, MedGen C3280220, MONDO:0013644, OMIM 614228.
Autosomal dominant cerebellar ataxia. Also called: Spinocerebellar Ataxia, Dominant. Identifiers: Orphanet 99, MedGen C4087347, MONDO:0020380.

Allele frequency attached by ClinVar (database versions not stated): TOPMed 0.00725; 1000 Genomes Project 30x 0.01624; 1000 Genomes Project 0.01717; gnomAD 0.00446 and 0.00552; gnomAD exomes 0.00325.
gnomAD v4.1: 5,428 of 1,545,398 alleles (0.35%); highest among the groups gnomAD compares: Admixed American, 3.9%; 117 homozygotes.

Submissions (3):

Illumina Laboratory Services, Illumina
Classification: Benign for Charcot-Marie-Tooth disease axonal type 2O. Last evaluated: 2018-01-13. Review status: criteria provided, single submitter. Criteria: ICSL Variant Classification Criteria 13 December 2019. Collection method: clinical testing. Allele origin: germline.
Comment: This variant was observed in the ICSL laboratory as part of a predisposition screen in an ostensibly healthy population. It had not been previously curated by ICSL or reported in the Human Gene Mutation Database (HGMD: prior to June 1st, 2018), and was therefore a candidate for classification through an automated scoring system. Utilizing variant allele frequency, disease prevalence and penetrance estimates, and inheritance mode, an automated score was calculated to assess if this variant is too frequent to cause the disease. Based on the score and internal cut-off values, a variant classified as benign is not then subjected to further curation. The score for this variant resulted in a classification of benign for this disease.

Illumina Laboratory Services, Illumina
Classification: Benign for Spinocerebellar Ataxia, Dominant. Last evaluated: 2018-01-13. Review status: criteria provided, single submitter. Criteria: ICSL Variant Classification Criteria 13 December 2019. Collection method: clinical testing. Allele origin: germline.
Comment: the same text as in the submission from Illumina Laboratory Services, Illumina above.

Breakthrough Genomics
Classification: Benign. Review status: criteria provided, single submitter. Criteria: ACMG Guidelines, 2015. Collection method: not provided. Allele origin: germline. Inheritance: Autosomal dominant inheritance. Affected: yes.

NM_001376.5(DYNC1H1):c.-53G>A

Gene: DYNC1H1 (dynein cytoplasmic 1 heavy chain 1; plus strand). Cytogenetic location: 14q32.31.
Variant type: single nucleotide variant.
Coding change: c.-53G>A on transcript NM_001376.5 (MANE Select); 53 bases upstream of the start codon, G replaced by A.
Molecular consequence: 5 prime UTR variant.
Genome position (GRCh38, 1-based): chr14:101,964,639, G>A. VCF-style: chr14-101964639-G-A. GRCh37 (hg19) VCF-style: chr14-102430976-G-A.
Identifiers: ClinVar variation 312613 (VCV000312613.6), dbSNP rs2273436, ClinGen allele CA10639821.